The following is an entry in ClinVar:

ClinVar aggregate classification (germline): Conflicting classifications of pathogenicity. Review status: criteria provided, conflicting classifications (1 of 4 stars). 6 submissions from 6 submitters: Uncertain significance (4); Benign (2). Last evaluated 2025-12-21.

Conditions:
Neuroblastoma, susceptibility to, 3. Also called: ALK-Related Neuroblastic Tumor Susceptibility. Identifiers: Orphanet 635, MedGen C2751681, MONDO:0013083, OMIM 613014.
Hereditary cancer-predisposing syndrome. Also called: Hereditary neoplastic syndrome; Neoplastic Syndromes, Hereditary; Tumor predisposition; Hereditary Cancer Syndrome. Identifiers: Orphanet 140162, MedGen C0027672, MeSH D009386, MONDO:0015356.
Ovarian cancer. Also called: OVARIAN CANCER, SOMATIC. Identifiers: Orphanet 213500, MedGen C1140680, MONDO:0008170, OMIM 167000.

Allele frequency attached by ClinVar (database versions not stated): gnomAD 0.00002; TOPMed 0.00004.
gnomAD v4.1: 55 of 1,614,002 alleles (0.0034%); highest among the groups gnomAD compares: East Asian, 0.12%; no homozygotes.

Submissions (6):

Labcorp Genetics (formerly Invitae), Labcorp
Classification: Uncertain significance for Neuroblastoma, susceptibility to, 3. Last evaluated: 2025-12-21. Review status: criteria provided, single submitter. Criteria: Invitae Variant Classification Sherloc (09022015). Collection method: clinical testing. Allele origin: germline.
Comment: This sequence change replaces leucine, which is neutral and non-polar, with valine, which is neutral and non-polar, at codon 1404 of the ALK protein (p.Leu1404Val). This variant is present in population databases (rs757615099, gnomAD 0.05%). This variant has not been reported in the literature in individuals affected with ALK-related conditions. ClinVar contains an entry for this variant (Variation ID: 470867). An algorithm developed to predict the effect of missense changes on protein structure and function outputs the following: PolyPhen-2: "Benign". The valine amino acid residue is found in multiple mammalian species, which suggests that this missense change does not adversely affect protein function. In summary, the available evidence is currently insufficient to determine the role of this variant in disease. Therefore, it has been classified as a Variant of Uncertain Significance.

Ambry Genetics
Classification: Benign for Hereditary cancer-predisposing syndrome. Last evaluated: 2024-10-28. Review status: criteria provided, single submitter. Criteria: Ambry Variant Classification Scheme 2023. Collection method: clinical testing. Allele origin: germline.

GeneDx
Classification: Uncertain significance. Last evaluated: 2023-08-03. Review status: criteria provided, single submitter. Criteria: GeneDx Variant Classification Process June 2021. Collection method: clinical testing. Allele origin: germline. Affected: yes.
Comment: In silico analysis supports that this missense variant does not alter protein structure/function; Has not been previously published as pathogenic or benign to our knowledge

St. Jude Molecular Pathology, St. Jude Children's Research Hospital
Classification: Uncertain significance for Neuroblastoma, susceptibility to, 3. Last evaluated: 2023-04-27. Review status: criteria provided, single submitter. Criteria: St. Jude Assertion Criteria 2020. Collection method: clinical testing. Allele origin: germline.
Comment: The ALK c.4210C>G (p.Leu1404Val) missense change has a maximum subpopulation frequency of 0.055% in gnomAD v2.1.1. The in silico tool REVEL predicts a benign effect on protein function, but this prediction has not been confirmed by functional studies. This variant has not been reported in the literature in individuals with ALK-related neuroblastic tumor susceptibility. In summary, the evidence currently available is insufficient to determine the clinical significance of this variant. It has therefore been classified as of uncertain significance.

Laboratory of Molecular Epidemiology of Birth Defects, West China Second University Hospital, Sichuan University
Classification: Benign for Ovarian cancer. Last evaluated: 2022-01-01. Review status: criteria provided, single submitter. Criteria: ACMG Guidelines, 2015. Collection method: clinical testing. Allele origin: germline. Affected: yes.

Illumina Laboratory Services, Illumina
Classification: Uncertain significance for Neuroblastoma, susceptibility to, 3. Last evaluated: 2018-01-12. Review status: criteria provided, single submitter. Criteria: ICSL Variant Classification Criteria 13 December 2019. Collection method: clinical testing. Allele origin: germline.

NM_004304.5(ALK):c.4210C>G (p.Leu1404Val)

Gene: ALK (ALK receptor tyrosine kinase; minus strand). Cytogenetic location: 2p23.2.
Variant type: single nucleotide variant.
Coding change: c.4210C>G on transcript NM_004304.5 (MANE Select); coding-DNA position 4210, C replaced by G.
Protein change: p.Leu1404Val; replaces leucine 1404 with valine.
Molecular consequence: missense variant.
Genome position (GRCh38, 1-based): chr2:29,193,877, G>C on the plus strand (C>G on the coding strand, the complement: ALK is on the minus strand). VCF-style: chr2-29193877-G-C. GRCh37 (hg19) VCF-style: chr2-29416743-G-C.
Other names: c.1006C>G, p.Leu336Val (NM_001353765.2); short protein forms L1404V, L336V.
Identifiers: ClinVar variation 470867 (VCV000470867.20), dbSNP rs757615099, ClinGen allele CA1593623.